The following is an entry in ClinVar:

NM_198578.4(LRRK2):c.5379T>C (p.Pro1793=)

Gene: LRRK2 (leucine rich repeat kinase 2; plus strand). Cytogenetic location: 12q12.
Variant type: single nucleotide variant.
Coding change: c.5379T>C on transcript NM_198578.4 (MANE Select); coding-DNA position 5379, T replaced by C.
Protein change: p.Pro1793=; no amino-acid change (proline 1793 retained).
Molecular consequence: synonymous variant.
Genome position (GRCh38, 1-based): chr12:40,322,380, T>C. VCF-style: chr12-40322380-T-C. GRCh37 (hg19) VCF-style: chr12-40716182-T-C.
Identifiers: ClinVar variation 1747134 (VCV001747134.9), dbSNP rs200278957, ClinGen allele CA235363206.

ClinVar aggregate classification (germline): Likely benign. Review status: criteria provided, multiple submitters, no conflicts (2 of 4 stars). 2 submissions from 2 submitters: Likely benign (2). Last evaluated 2025-09-01.

Conditions:
Inborn genetic diseases. Identifiers: MedGen C0950123, MeSH D030342.

Allele frequency attached by ClinVar (database versions not stated): gnomAD exomes below 0.00001.
gnomAD v4.1: 6 of 1,613,740 alleles (0.00037%); highest among the groups gnomAD compares: Non-Finnish European, 0.00051%; no homozygotes.

Submissions (2):

CeGaT Center for Human Genetics Tuebingen
Classification: Likely benign. Last evaluated: 2025-09-01. Review status: criteria provided, single submitter. Criteria: CeGaT Center For Human Genetics Tuebingen Variant Classification Criteria Version 2. Collection method: clinical testing. Allele origin: germline. Affected: yes. Observed: 1 variant allele.
Comment: LRRK2: BP4, BP7

Ambry Genetics
Classification: Likely benign for Inborn genetic diseases. Last evaluated: 2022-04-19. Review status: criteria provided, single submitter. Criteria: Ambry Variant Classification Scheme 2023. Collection method: clinical testing. Allele origin: germline.